The following is an entry in ClinVar:

NM_000455.5(STK11):c.423C>G (p.Asp141Glu)

Gene: STK11 (serine/threonine kinase 11; plus strand). Cytogenetic location: 19p13.3.
Variant type: single nucleotide variant.
Coding change: c.423C>G on transcript NM_000455.5 (MANE Select); coding-DNA position 423, C replaced by G.
Protein change: p.Asp141Glu; replaces aspartic acid 141 with glutamic acid.
Molecular consequence: missense variant. On other transcripts: non-coding transcript variant (1).
Genome position (GRCh38, 1-based): chr19:1,219,372, C>G. VCF-style: chr19-1219372-C-G. GRCh37 (hg19) VCF-style: chr19-1219371-C-G.
Other names: c.423C>G, p.Asp141Glu (NM_001407255.1); short protein forms D141E.
Identifiers: ClinVar variation 2682088 (VCV002682088.2), dbSNP rs1315791661, ClinGen allele CA402948263.
Genomic context (GRCh38, chr19:1,219,372, plus strand): 5'-TTAGCGCCCCACGTATATGGTGATGGAGTACTGCGTGTGTGGCATGCAGGAAATGCTGGA[C>G]AGCGTGCCGGAGAAGCGTTTCCCAGTGTGCCAGGCCCACGGGTGCGTGCGCGGGGCAGGG-3'
Protein context (NP_000446.1, residues 131-151): YCVCGMQEML[Asp141Glu]SVPEKRFPVC

ClinVar aggregate classification (germline): Uncertain significance. Review status: criteria provided, multiple submitters, no conflicts (2 of 4 stars). 2 submissions from 2 submitters: Uncertain significance (2). Last evaluated 2025-04-24.

Conditions:
Peutz-Jeghers syndrome (PJS). Also called: Peutz-Jeghers polyposis; Periorificial lentiginosis syndrome; POLYPOSIS, HAMARTOMATOUS INTESTINAL; POLYPS-AND-SPOTS SYNDROME. Identifiers: Orphanet 2869, MedGen C0031269, MeSH D010580, MONDO:0008280, OMIM 175200.

Submissions (2):

Labcorp Genetics (formerly Invitae), Labcorp
Classification: Uncertain significance for Peutz-Jeghers syndrome. Last evaluated: 2025-04-24. Review status: criteria provided, single submitter. Criteria: Invitae Variant Classification Sherloc (09022015). Collection method: clinical testing. Allele origin: germline.
Comment: This sequence change replaces aspartic acid, which is acidic and polar, with glutamic acid, which is acidic and polar, at codon 141 of the STK11 protein (p.Asp141Glu). This variant is not present in population databases (gnomAD no frequency). This variant has not been reported in the literature in individuals affected with STK11-related conditions. ClinVar contains an entry for this variant (Variation ID: 2682088). Invitae Evidence Modeling of protein sequence and biophysical properties (such as structural, functional, and spatial information, amino acid conservation, physicochemical variation, residue mobility, and thermodynamic stability) indicates that this missense variant is not expected to disrupt STK11 protein function with a negative predictive value of 95%. In summary, the available evidence is currently insufficient to determine the role of this variant in disease. Therefore, it has been classified as a Variant of Uncertain Significance.

Quest Diagnostics Nichols Institute San Juan Capistrano
Classification: Uncertain significance. Last evaluated: 2023-04-28. Review status: criteria provided, single submitter. Criteria: Quest Diagnostics criteria. Collection method: clinical testing. Allele origin: unknown.
Comment: To the best of our knowledge, this variant has not been reported in the published literature. It also has not been reported in large, multi-ethnic general populations. Analysis of this variant using bioinformatics tools for the prediction of the effect of amino acid changes on protein structure and function yielded predictions that this variant is deleterious or benign. Based on the available information, we are unable to determine the clinical significance of this variant.